The following is an entry in ClinVar:

NM_001358530.2(MOCS1):c.1103-1G>C

Gene: MOCS1 (molybdenum cofactor synthesis 1; minus strand). Cytogenetic location: 6p21.2.
Variant type: single nucleotide variant.
Coding change: c.1103-1G>C on transcript NM_001358530.2 (MANE Select); the canonical splice acceptor site of the intron before coding-DNA position 1103, G replaced by C.
Molecular consequence: splice acceptor variant. On other transcripts: intron variant (1).
Genome position (GRCh38, 1-based): chr6:39,909,103, C>G on the plus strand (G>C on the coding strand, the complement: MOCS1 is on the minus strand). VCF-style: chr6-39909103-C-G. GRCh37 (hg19) VCF-style: chr6-39876879-C-G.
Other names: c.842-1G>C (NM_001358531.2, NM_001358533.2, NM_001358534.2); c.1102+732G>C (NM_001358529.2); c.1103-1G>C (NM_001075098.4, NM_005943.6).
Identifiers: ClinVar variation 3654105 (VCV003654105.2).

ClinVar aggregate classification (germline): Likely pathogenic (1 of 4 stars; one submission).

Conditions:
Sulfite oxidase deficiency due to molybdenum cofactor deficiency type A. Also called: Molybdenum cofactor deficiency, complementation group A; Molybdenum Cofactor Deficiency A. Identifiers: Orphanet 308386, Orphanet 833, MedGen C1854988, MONDO:0009643, OMIM 252150.

Submission:

Labcorp Genetics (formerly Invitae), Labcorp
Classification: Likely pathogenic for Sulfite oxidase deficiency due to molybdenum cofactor deficiency type A. Last evaluated: 2024-10-30. Review status: criteria provided, single submitter. Criteria: Invitae Variant Classification Sherloc (09022015). Collection method: clinical testing. Allele origin: germline.
Comment: This sequence change affects an acceptor splice site in intron 9 of the MOCS1 gene. It is expected to disrupt RNA splicing. Variants that disrupt the donor or acceptor splice site typically lead to a loss of protein function (PMID: 16199547), and loss-of-function variants in MOCS1 are known to be pathogenic (PMID: 12754701, 16021469). This variant is not present in population databases (gnomAD no frequency). This variant has not been reported in the literature in individuals affected with MOCS1-related conditions. Algorithms developed to predict the effect of sequence changes on RNA splicing suggest that this variant may disrupt the consensus splice site. In summary, the currently available evidence indicates that the variant is pathogenic, but additional data are needed to prove that conclusively. Therefore, this variant has been classified as Likely Pathogenic.

Literature cited by the submitters: PubMed 16199547; PubMed 12754701; PubMed 16021469.